The following is an entry in ClinVar:

ClinVar aggregate classification (germline): Pathogenic (3 of 4 stars; one submission).

Conditions:
Glanzmann thrombasthenia. Also called: BLEEDING DISORDER, PLATELET-TYPE, 2; THROMBASTHENIA OF GLANZMANN AND NAEGELI; PLATELET GLYCOPROTEIN IIb-IIIa DEFICIENCY; Glanzmann's thrombasthenia; Thrombasthenia. Identifiers: Orphanet 849, MedGen C0040015, MONDO:0100326.

Submission:

ClinGen Platelet Disorders Variant Curation Expert Panel, ClinGen
Classification: Pathogenic for Glanzmann thrombasthenia. Last evaluated: 2020-09-06. Review status: reviewed by expert panel. Criteria: ClinGen Platelet ACMG Specifications v2. Collection method: curation. Allele origin: germline. Inheritance: Autosomal recessive inheritance.
Comment: The 1-bp deletion vairant, NM_000419.4:c.91del, causes a frameshift, Ala31ProfsTer2 and a premature termination codon at position 33. The resulting transcript is predicted to undergo NMD. The variant is absent from gnomAD. The variant is reported in two siblings in the compound heterozygous state with another frameshift variant, Leu973AlafsTer63 (PMID: 25728920). In summary, based on the evidence available at this time, the variant is classified as pathogenic. GT-specific criteria applied: PVS1, PM2_Supporting, PP1, PP4_Strong.

Literature cited by the submitters: PubMed 25728920.

NM_000419.5(ITGA2B):c.91del (p.Ala31fs)

Gene: ITGA2B (integrin subunit alpha 2b; minus strand). Cytogenetic location: 17q21.31.
Variant type: Deletion.
Coding change: c.91del on transcript NM_000419.5 (MANE Select); coding-DNA position 91, one base deleted (G; older notation c.91delG).
Protein change: p.Ala31fs; shifts the reading frame from alanine 31.
Molecular consequence: frameshift variant.
Genome position (GRCh38, 1-based): chr17:44,389,383, C deleted on the plus strand (G on the coding strand, the reverse complement: ITGA2B is on the minus strand); the first of 3 consecutive C bases (chr17:44,389,383-44,389,385); deleting any one gives the same sequence. VCF-style (leftmost placement, unchanged base first): chr17-44389382-GC-G. GRCh37 (hg19) VCF-style: chr17-42466750-GC-G.
Other names: short protein forms A31fs.
Identifiers: ClinVar variation 953035 (VCV000953035.3), dbSNP rs2048678902, ClinGen allele CA913203486.